The following is an entry in ClinVar:

ClinVar aggregate classification (germline): Uncertain significance (1 of 4 stars; one submission).

Conditions:
Loeys-Dietz syndrome 4 (LDS4). Also called: ANEURYSM, AORTIC AND CEREBRAL, WITH ARTERIAL TORTUOSITY AND SKELETAL MANIFESTATIONS; TGFB2-Related Loeys-Dietz Syndrome. Identifiers: MedGen C3553762, MONDO:0013897, OMIM 614816.

Submission:

Labcorp Genetics (formerly Invitae), Labcorp
Classification: Uncertain significance for Loeys-Dietz syndrome 4. Last evaluated: 2024-04-09. Review status: criteria provided, single submitter. Criteria: Invitae Variant Classification Sherloc (09022015). Collection method: clinical testing. Allele origin: germline.
Comment: This sequence change affects codon 238 of the TGFB2 mRNA. It is a 'silent' change, meaning that it does not change the encoded amino acid sequence of the TGFB2 protein. This variant is not present in population databases (gnomAD no frequency). This variant has not been reported in the literature in individuals affected with TGFB2-related conditions. Algorithms developed to predict the effect of sequence changes on RNA splicing suggest that this variant may disrupt the consensus splice site. In summary, the available evidence is currently insufficient to determine the role of this variant in disease. Therefore, it has been classified as a Variant of Uncertain Significance.

NM_003238.6(TGFB2):c.714C>A (p.Ile238=)

Gene: TGFB2 (transforming growth factor beta 2; plus strand). Cytogenetic location: 1q41.
Variant type: single nucleotide variant.
Coding change: c.714C>A on transcript NM_003238.6 (MANE Select); coding-DNA position 714, C replaced by A.
Protein change: p.Ile238=; no amino-acid change (isoleucine 238 retained).
Molecular consequence: synonymous variant. On other transcripts: non-coding transcript variant (2).
Genome position (GRCh38, 1-based): chr1:218,434,408, C>A. VCF-style: chr1-218434408-C-A. GRCh37 (hg19) VCF-style: chr1-218607750-C-A.
Other names: c.798C>A, p.Ile266= (NM_001135599.4).
Identifiers: ClinVar variation 3648682 (VCV003648682.2).